The following is an entry in ClinVar:

ClinVar aggregate classification (germline): Uncertain significance (1 of 4 stars; one submission).

Allele frequency attached by ClinVar (database versions not stated): gnomAD exomes below 0.00001; TOPMed below 0.00001.
gnomAD v4.1: 2 of 1,614,028 alleles (0.00012%); highest among the groups gnomAD compares: Admixed American, 0.0033%; no homozygotes.

Submission:

Labcorp Genetics (formerly Invitae), Labcorp
Classification: Uncertain significance. Last evaluated: 2022-05-25. Review status: criteria provided, single submitter. Criteria: Invitae Variant Classification Sherloc (09022015). Collection method: clinical testing. Allele origin: germline.
Comment: Algorithms developed to predict the effect of missense changes on protein structure and function are either unavailable or do not agree on the potential impact of this missense change (SIFT: "Deleterious"; PolyPhen-2: "Probably Damaging"; Align-GVGD: "Class C15"). This variant has not been reported in the literature in individuals affected with EFNA4-related conditions. This variant is present in population databases (no rsID available, gnomAD 0.006%). This sequence change replaces threonine, which is neutral and polar, with isoleucine, which is neutral and non-polar, at codon 116 of the EFNA4 protein (p.Thr116Ile). In summary, the available evidence is currently insufficient to determine the role of this variant in disease. Therefore, it has been classified as a Variant of Uncertain Significance.

NM_005227.3(EFNA4):c.347C>T (p.Thr116Ile)

Genes: EFNA4 (ephrin A4; plus strand), EFNA4-EFNA3 (EFNA4-EFNA3 readthrough; plus strand), ADAM15-EFNA4 (ADAM15-EFNA4 readthrough; plus strand). Cytogenetic location: 1q21.3.
Variant type: single nucleotide variant.
Coding change: c.347C>T on transcript NM_005227.3 (MANE Select); coding-DNA position 347, C replaced by T.
Protein change: p.Thr116Ile; replaces threonine 116 with isoleucine.
Molecular consequence: missense variant.
Genome position (GRCh38, 1-based): chr1:155,066,963, C>T. VCF-style: chr1-155066963-C-T. GRCh37 (hg19) VCF-style: chr1-155039439-C-T.
Other names: c.119C>T, p.Thr40Ile (NM_001406810.1); c.347C>T, p.Thr116Ile (NM_182689.2, NM_182690.3); short protein forms T116I, T40I.
Identifiers: ClinVar variation 2095429 (VCV002095429.4), dbSNP rs1422554226, ClinGen allele CA342649007.
Genomic context (GRCh38, chr1:155,066,963, plus strand): 5'-GCTGGGTGTGCTCCCTGCCCTTTGGCCATGTTCAATTCTCAGAGAAGATTCAGCGCTTCA[C>T]ACCCTTCTCCCTCGGCTTTGAGTTCTTACCTGGAGAGACTTACTACTACATCTGTGAGTG-3'
Protein context (NP_005218.1, residues 106-126): VQFSEKIQRF[Thr116Ile]PFSLGFEFLP